The following is an entry in ClinVar:

ClinVar aggregate classification (germline): Likely pathogenic. Review status: criteria provided, single submitter (1 of 4 stars). 2 submissions from 2 submitters: Likely pathogenic (1). 1 of the submissions does not count toward it. Last evaluated 2022-06-15.

Conditions:
Lethal osteosclerotic bone dysplasia (RNS). Also called: Osteomalacia, sclerosing, with cerebral calcification. Identifiers: Orphanet 1832, MedGen C1850106, MONDO:0009821, OMIM 259775.

gnomAD v4.1: 2 of 1,536,102 alleles (0.00013%); highest among the groups gnomAD compares: Non-Finnish European, 0.00017%; no homozygotes.

Submissions (2):

GeneDx
Classification: Likely pathogenic. Last evaluated: 2022-06-15. Review status: criteria provided, single submitter. Criteria: GeneDx Variant Classification Process June 2021. Collection method: clinical testing. Allele origin: germline. Affected: yes.
Comment: Observed with another FAM20C variant in a patient with features of Raine syndrome in published literature, but it is not known whether the variants occurred on the same (in cis) or on different (in trans) chromosomes (Kumar Girigiri et al., 2021); Published functional studies demonstrate a damaging effect: impaired secretion, impaired phosphorylation of OPN and DMP1, and increased endoplasmic reticulum stress response (Kinoshita et al., 2014); Not observed at significant frequency in large population cohorts (gnomAD); Also known as c.1309G>A p.D437N; This variant is associated with the following publications: (PMID: Girigiri2021[caseReport], 32299476, 19250384, 32833257, 34360805, 25026495)

OMIM
Classification: Pathogenic for RAINE SYNDROME. Last evaluated: 2009-03-01. Review status: no assertion criteria provided. Collection method: literature only. Allele origin: germline. Not counted in ClinVar's aggregate classification.

Literature cited by the submitters: PubMed 19250384 (cited by OMIM).

NM_020223.4(FAM20C):c.1351G>A (p.Asp451Asn)

Gene: FAM20C (FAM20C golgi associated secretory pathway kinase; plus strand). Cytogenetic location: 7p22.3.
Variant type: single nucleotide variant.
Coding change: c.1351G>A on transcript NM_020223.4 (MANE Select); coding-DNA position 1351, G replaced by A.
Protein change: p.Asp451Asn; replaces aspartic acid 451 with asparagine.
Molecular consequence: missense variant.
Genome position (GRCh38, 1-based): chr7:256,751, G>A. VCF-style: chr7-256751-G-A. GRCh37 (hg19) VCF-style: chr7-296717-G-A.
Other names: D437N; short protein forms D451N.
Identifiers: ClinVar variation 30875 (VCV000030875.3), dbSNP rs2115173146, ClinGen allele CA366525682.
Genomic context (GRCh38, chr7:256,751, plus strand): 5'-CAGACACCGCCCTACGACAGCAGCCACCGCATCCTGGACGTCATGGACATGACGATCTTC[G>A]ACTTCCTCATGGGTACGTCCCGCAGGGGCACGGGGTCCCCGTGTCACTCGCCTTGCGTGG-3'
Protein context (NP_064608.2, residues 441-461): ILDVMDMTIF[Asp451Asn]FLMGNMDRHH